The following is an entry in ClinVar:

NM_006073.4(TRDN):c.1136-1G>A

Gene: TRDN (triadin; minus strand). Cytogenetic location: 6q22.31.
Variant type: single nucleotide variant.
Coding change: c.1136-1G>A on transcript NM_006073.4 (MANE Select); the canonical splice acceptor site of the intron before coding-DNA position 1136, G replaced by A.
Molecular consequence: splice acceptor variant.
Genome position (GRCh38, 1-based): chr6:123,382,148, C>T on the plus strand (G>A on the coding strand, the complement: TRDN is on the minus strand). VCF-style: chr6-123382148-C-T. GRCh37 (hg19) VCF-style: chr6-123703293-C-T.
Other names: c.1079-1G>A (NM_001407315.1); c.1139-1G>A (NM_001251987.2).
Identifiers: ClinVar variation 1325229 (VCV001325229.12), dbSNP rs769776218, ClinGen allele CA3984107.

ClinVar aggregate classification (germline): Uncertain significance. Review status: criteria provided, multiple submitters, no conflicts (2 of 4 stars). 3 submissions from 3 submitters: Uncertain significance (3). Last evaluated 2023-05-25.

Conditions:
Catecholaminergic polymorphic ventricular tachycardia 1. Also called: VENTRICULAR TACHYCARDIA, CATECHOLAMINERGIC POLYMORPHIC, 1, WITH OR WITHOUT ATRIAL DYSFUNCTION AND/OR DILATED CARDIOMYOPATHY; VENTRICULAR TACHYCARDIA, STRESS-INDUCED POLYMORPHIC 1; RYR2-Related Catecholaminergic Polymorphic Ventricular Tachycardia. Identifiers: Orphanet 3286, MedGen C1631597, MONDO:0011484, OMIM 604772.
Catecholaminergic polymorphic ventricular tachycardia 5 (CARDAR). Also called: Ventricular tachycardia, catecholaminergic polymorphic, 5, with or without muscle weakness; CARDIAC ARRHYTHMIA SYNDROME, WITH OR WITHOUT SKELETAL MUSCLE WEAKNESS. Identifiers: Orphanet 3286, MedGen C3809536, MONDO:0014191, OMIM 615441.

Allele frequency attached by ClinVar (database versions not stated): gnomAD exomes below 0.00001; TOPMed 0.00003; gnomAD 0.00004 and 0.00005; ExAC 0.00005.
gnomAD v4.1: 12 of 1,499,964 alleles (0.0008%); highest among the groups gnomAD compares: African/African-American, 0.0057%; no homozygotes.

Submissions (3):

GeneDx
Classification: Uncertain significance. Last evaluated: 2023-05-25. Review status: criteria provided, single submitter. Criteria: GeneDx Variant Classification Process June 2021. Collection method: clinical testing. Allele origin: germline. Affected: yes.
Comment: Not observed at significant frequency in large population cohorts (gnomAD); Canonical splice site variant in a gene or region of a gene for which loss of function is not a well-established mechanism of disease; Has not been previously published as pathogenic or benign to our knowledge

Labcorp Genetics (formerly Invitae), Labcorp
Classification: Uncertain significance for Catecholaminergic polymorphic ventricular tachycardia 1. Last evaluated: 2023-04-08. Review status: criteria provided, single submitter. Criteria: Invitae Variant Classification Sherloc (09022015). Collection method: clinical testing. Allele origin: germline.
Comment: In summary, the available evidence is currently insufficient to determine the role of this variant in disease. Therefore, it has been classified as a Variant of Uncertain Significance. Algorithms developed to predict the effect of sequence changes on RNA splicing suggest that this variant may disrupt the consensus splice site. ClinVar contains an entry for this variant (Variation ID: 1325229). This variant has not been reported in the literature in individuals affected with TRDN-related conditions. The frequency data for this variant in the population databases is considered unreliable, as metrics indicate poor data quality at this position in the gnomAD database. This sequence change affects an acceptor splice site in intron 14 of the TRDN gene. However, it is currently unclear if variants that occur in this region of the gene cause disease.

Fulgent Genetics
Classification: Uncertain significance for Catecholaminergic polymorphic ventricular tachycardia 1; Catecholaminergic polymorphic ventricular tachycardia 5. Last evaluated: 2021-12-03. Review status: criteria provided, single submitter. Criteria: ACMG Guidelines, 2015. Collection method: clinical testing. Allele origin: unknown.